The following is an entry in ClinVar:

NM_001382273.1(TNK2):c.419T>C (p.Val140Ala)

Gene: TNK2 (tyrosine kinase non receptor 2; minus strand). Cytogenetic location: 3q29.
Variant type: single nucleotide variant.
Coding change: c.419T>C on transcript NM_001382273.1 (MANE Select); coding-DNA position 419, T replaced by C.
Protein change: p.Val140Ala; replaces valine 140 with alanine.
Molecular consequence: missense variant. On other transcripts: non-coding transcript variant (15).
Genome position (GRCh38, 1-based): chr3:195,884,849, A>G on the plus strand (T>C on the coding strand, the complement: TNK2 is on the minus strand). VCF-style: chr3-195884849-A-G. GRCh37 (hg19) VCF-style: chr3-195611720-A-G.
Other names: c.491T>C, p.Val164Ala (NM_001010938.2, NM_001382272.1, NM_001387708.1 and 1 more transcripts); c.515T>C, p.Val172Ala (NM_001308046.2, NM_001382271.1, NM_001382275.1 and 1 more transcripts); c.419T>C, p.Val140Ala (NM_001382274.1, NM_001386164.1, NM_001387709.1 and 12 more transcripts); short protein forms V164A, V172A, V140A.
Identifiers: ClinVar variation 2081317 (VCV002081317.4), dbSNP rs765083803, ClinGen allele CA2776869.

ClinVar aggregate classification (germline): Uncertain significance (1 of 4 stars; one submission).

Allele frequency attached by ClinVar (database versions not stated): TOPMed below 0.00001; gnomAD exomes 0.00001; ExAC 0.00002.
gnomAD v4.1: 4 of 1,613,154 alleles (0.00025%); highest among the groups gnomAD compares: Admixed American, 0.005%; no homozygotes.

Submission:

Labcorp Genetics (formerly Invitae), Labcorp
Classification: Uncertain significance. Last evaluated: 2022-03-26. Review status: criteria provided, single submitter. Criteria: Invitae Variant Classification Sherloc (09022015). Collection method: clinical testing. Allele origin: germline.
Comment: In summary, the available evidence is currently insufficient to determine the role of this variant in disease. Therefore, it has been classified as a Variant of Uncertain Significance. Algorithms developed to predict the effect of missense changes on protein structure and function (SIFT, PolyPhen-2, Align-GVGD) all suggest that this variant is likely to be disruptive. This variant has not been reported in the literature in individuals affected with TNK2-related conditions. This variant is present in population databases (rs765083803, gnomAD 0.006%). This sequence change replaces valine, which is neutral and non-polar, with alanine, which is neutral and non-polar, at codon 203 of the TNK2 protein (p.Val203Ala).